The following is an entry in ClinVar:

ClinVar aggregate classification (germline): Uncertain significance (1 of 4 stars; one submission).

Conditions:
Werner syndrome (WRN). Identifiers: Orphanet 902, MedGen C0043119, MONDO:0010196, OMIM 277700.

Submission:

Labcorp Genetics (formerly Invitae), Labcorp
Classification: Uncertain significance for Werner syndrome. Last evaluated: 2022-06-30. Review status: criteria provided, single submitter. Criteria: Invitae Variant Classification Sherloc (09022015). Collection method: clinical testing. Allele origin: germline.
Comment: This variant is not present in population databases (gnomAD no frequency). This sequence change falls in intron 6 of the WRN gene. It does not directly change the encoded amino acid sequence of the WRN protein. This variant has not been reported in the literature in individuals affected with WRN-related conditions. In summary, the available evidence is currently insufficient to determine the role of this variant in disease. Therefore, it has been classified as a Variant of Uncertain Significance. Algorithms developed to predict the effect of sequence changes on RNA splicing suggest that this variant may create or strengthen a splice site.

NM_000553.6(WRN):c.654+15A>G

Gene: WRN (WRN RecQ like helicase; plus strand). Cytogenetic location: 8p12.
Variant type: single nucleotide variant.
Coding change: c.654+15A>G on transcript NM_000553.6 (MANE Select); 15 bases into the intron after coding-DNA position 654, A replaced by G.
Molecular consequence: intron variant.
Genome position (GRCh38, 1-based): chr8:31,067,197, A>G. VCF-style: chr8-31067197-A-G. GRCh37 (hg19) VCF-style: chr8-30924713-A-G.
Identifiers: ClinVar variation 2418294 (VCV002418294.6), dbSNP rs2535887618, ClinGen allele CA2580078152.